The following is an entry in ClinVar:

ClinVar aggregate classification (germline): Uncertain significance (1 of 4 stars; one submission).

Submission:

Ambry Genetics
Classification: Uncertain significance. Last evaluated: 2025-02-02. Review status: criteria provided, single submitter. Criteria: Ambry Variant Classification Scheme 2023. Collection method: clinical testing. Allele origin: germline.
Comment: The p.Q123P variant (also known as c.368A>C), located in coding exon 4 of the RINT1 gene, results from an A to C substitution at nucleotide position 368. The glutamine at codon 123 is replaced by proline, an amino acid with similar properties. This amino acid position is conserved. In addition, this alteration is predicted to be tolerated by in silico analysis. Based on the available evidence, the clinical significance of this variant remains unclear.

NM_021930.6(RINT1):c.368A>C (p.Gln123Pro)

Gene: RINT1 (RAD50 interactor 1; plus strand). Cytogenetic location: 7q22.3.
Variant type: single nucleotide variant.
Coding change: c.368A>C on transcript NM_021930.6 (MANE Select); coding-DNA position 368, A replaced by C.
Protein change: p.Gln123Pro; replaces glutamine 123 with proline.
Molecular consequence: missense variant. On other transcripts: 5 prime UTR variant (3), non-coding transcript variant (1).
Genome position (GRCh38, 1-based): chr7:105,542,502, A>C. VCF-style: chr7-105542502-A-C. GRCh37 (hg19) VCF-style: chr7-105182949-A-C.
Other names: c.134A>C, p.Gln45Pro (NM_001346599.2); c.-652A>C (NM_001346600.2); c.-555A>C (NM_001346601.2); c.-175A>C (NM_001346603.2); short protein forms Q45P, Q123P.
Identifiers: ClinVar variation 3789207 (VCV003789207.1).